The following is an entry in ClinVar:

ClinVar aggregate classification (germline): Benign. Review status: criteria provided, multiple submitters, no conflicts (2 of 4 stars). 2 submissions from 2 submitters: Benign (2). Last evaluated 2018-01-13.

Conditions:
Multicentric carpo-tarsal osteolysis with or without nephropathy. Also called: Multicentric Osteolysis of Carpal Bones and Nephropathy; OSTEOLYSIS, HEREDITARY, OF CARPAL BONES WITH OR WITHOUT NEPHROPATHY; Carnevale Canun Mendoza syndrome; MULTICENTRIC OSTEOLYSIS, AUTOSOMAL DOMINANT; Multicentric Carpotarsal Osteolysis with or without Nephropathy; MULTICENTRIC CARPOTARSAL OSTEOLYSIS SYNDROME. Identifiers: Orphanet 2774, MedGen C2674705, MONDO:0008152, OMIM 166300.

Allele frequency attached by ClinVar (database versions not stated): gnomAD 0.00023 and 0.00034; TOPMed 0.00040; 1000 Genomes Project 0.00180; 1000 Genomes Project 30x 0.00250.

Submissions (2):

Illumina Laboratory Services, Illumina
Classification: Benign for Multicentric carpo-tarsal osteolysis with or without nephropathy. Last evaluated: 2018-01-13. Review status: criteria provided, single submitter. Criteria: ICSL Variant Classification Criteria 13 December 2019. Collection method: clinical testing. Allele origin: germline.
Comment: This variant was observed in the ICSL laboratory as part of a predisposition screen in an ostensibly healthy population. It had not been previously curated by ICSL or reported in the Human Gene Mutation Database (HGMD: prior to June 1st, 2018), and was therefore a candidate for classification through an automated scoring system. Utilizing variant allele frequency, disease prevalence and penetrance estimates, and inheritance mode, an automated score was calculated to assess if this variant is too frequent to cause the disease. Based on the score and internal cut-off values, a variant classified as benign is not then subjected to further curation. The score for this variant resulted in a classification of benign for this disease.

Breakthrough Genomics
Classification: Benign. Review status: criteria provided, single submitter. Criteria: ACMG Guidelines, 2015. Collection method: not provided. Allele origin: germline. Inheritance: Autosomal dominant inheritance. Affected: yes.

NM_005461.5(MAFB):c.*68G>A

Gene: MAFB (MAF bZIP transcription factor B; minus strand). Cytogenetic location: 20q12.
Variant type: single nucleotide variant.
Coding change: c.*68G>A on transcript NM_005461.5 (MANE Select); 68 bases downstream of the stop codon, G replaced by A.
Molecular consequence: 3 prime UTR variant.
Genome position (GRCh38, 1-based): chr20:40,687,811, C>T on the plus strand (G>A on the coding strand, the complement: MAFB is on the minus strand). VCF-style: chr20-40687811-C-T. GRCh37 (hg19) VCF-style: chr20-39316451-C-T.
Identifiers: ClinVar variation 338405 (VCV000338405.6), dbSNP rs190300765, ClinGen allele CA10649699.